The following is an entry in ClinVar:

NM_000376.3(VDR):c.146+9dup

Gene: VDR (vitamin D receptor; minus strand). Cytogenetic location: 12q13.11.
Variant type: Duplication.
Coding change: c.146+9dup on transcript NM_000376.3 (MANE Select); 9 bases into the intron after coding-DNA position 146, one base duplicated (T; older notation c.146+9dupT).
Molecular consequence: intron variant.
Genome position (GRCh38, 1-based): chr12:47,878,959, A duplicated on the plus strand (T on the coding strand, the reverse complement: VDR is on the minus strand). VCF-style (leftmost placement, unchanged base first): chr12-47878958-G-GA. GRCh37 (hg19) VCF-style: chr12-48272741-G-GA.
Other names: c.146+9dup (NM_001374662.1, NM_001364085.2, NM_001017535.2 and 1 more transcripts); c.296+9dup (NM_001017536.2); c.146+9dupT (NM_001017535.2).
Identifiers: ClinVar variation 308885 (VCV000308885.20), dbSNP rs748166237, ClinGen allele CA6534063.
Genomic context (GRCh38, chr12:47,878,958, plus strand): 5'-TCCCTTCATGGAAACACCTTGCTTCTTCTCCCTCCCTTTCCACTGGGGAGAGCCTGGGAG[G>GA]AGGGCTCACCTGAAGAAGCCTTTGCAGCCTTCACAGGTCATAGCATTGAAGTGAAAGCCA-3'

ClinVar aggregate classification (germline): Conflicting classifications of pathogenicity. Review status: criteria provided, conflicting classifications (1 of 4 stars). 4 submissions from 4 submitters: Uncertain significance (1); Likely benign (3). Last evaluated 2026-02-01.

Allele frequency attached by ClinVar (database versions not stated): gnomAD 0.00020 and 0.00024; ExAC 0.00028; TOPMed 0.00029; gnomAD exomes 0.00032 and 0.00033; ESP Exome Variant Server 0.00152.

Submissions (4):

Labcorp Genetics (formerly Invitae), Labcorp
Classification: Likely benign. Last evaluated: 2026-02-01. Review status: criteria provided, single submitter. Criteria: Invitae Variant Classification Sherloc (09022015). Collection method: clinical testing. Allele origin: germline.

Women's Health and Genetics/Laboratory Corporation of America, LabCorp
Classification: Likely benign. Last evaluated: 2025-07-21. Review status: criteria provided, single submitter. Criteria: LabCorp Variant Classification Summary - May 2015. Collection method: clinical testing. Allele origin: germline.
Comment: Variant summary: VDR c.146+9dupT alters a nucleotide located at a position not widely known to affect splicing. Consensus agreement among computation tools predict no significant impact on normal splicing. However, these predictions have yet to be confirmed by functional studies. The variant allele was found at a frequency of 0.00033 in 251360 control chromosomes. This frequency is not significantly higher than estimated for a pathogenic variant in VDR causing Vitamin D-Dependent Rickets Type II With Alopecia, allowing no conclusion about variant significance. To our knowledge, no occurrence of c.146+9dupT in individuals affected with Vitamin D-Dependent Rickets Type II With Alopecia and no experimental evidence demonstrating its impact on protein function have been reported. ClinVar contains an entry for this variant (Variation ID: 308885). Based on the evidence outlined above, the variant was classified as likely benign.

Blueprint Genetics
Classification: Likely benign. Last evaluated: 2024-11-26. Review status: criteria provided, single submitter. Criteria: ACMG Guidelines, 2015. Collection method: clinical testing. Allele origin: germline.

Institute for Clinical Genetics, University Hospital TU Dresden, University Hospital TU Dresden
Classification: Uncertain significance. Last evaluated: 2021-11-03. Review status: criteria provided, single submitter. Criteria: ACMG Guidelines, 2015. Collection method: clinical testing. Allele origin: germline.